The following is an entry in ClinVar:

ClinVar aggregate classification (germline): Pathogenic/Likely pathogenic. Review status: criteria provided, multiple submitters, no conflicts (2 of 4 stars). 10 submissions from 10 submitters: Pathogenic (6); Likely pathogenic (1). 3 of the submissions do not count toward it. Last evaluated 2024-10-31.

Conditions:
Hereditary factor IX deficiency disease (HEMB). Also called: F9 DEFICIENCY; FACTOR IX DEFICIENCY; Christmas Disease; Hemophilia B; PLASMA THROMBOPLASTIN COMPONENT DEFICIENCY. Identifiers: Orphanet 98879, MedGen C0008533, MeSH D002836, MONDO:0010604, OMIM 306900.
Thrombophilia, X-linked, due to factor 9 defect. Identifiers: MedGen C2749016, MONDO:0010432, OMIM 300807.
Warfarin sensitivity, X-linked. Also called: COUMARIN SENSITIVITY, X-LINKED. Identifiers: MedGen C5393318, OMIM 301052, MONDO:0026768.

Allele frequency attached by ClinVar (database versions not stated): gnomAD exomes 0.00001; ExAC 0.00001; TOPMed 0.00005.

Submissions (10):

North West Genomic Laboratory Hub, Manchester University NHS Foundation Trust
Classification: Pathogenic for Factor IX deficiency. Last evaluated: 2024-10-31. Review status: criteria provided, single submitter. Criteria: ACGS Best Practice Guidelines for Variant Classification in Rare Disease 2024. Collection method: clinical testing. Allele origin: germline. Affected: yes.
Comment: PP3_Supp PM1_Mod PS4_Mod PM2_Mod PM5_Mod PP4_Mod

Fulgent Genetics
Classification: Pathogenic for Thrombophilia, X-linked, due to factor 9 defect; Warfarin sensitivity, X-linked; Hereditary factor IX deficiency disease. Last evaluated: 2024-03-11. Review status: criteria provided, single submitter. Criteria: ACMG Guidelines, 2015. Collection method: clinical testing. Allele origin: germline.

GeneDx
Classification: Pathogenic. Last evaluated: 2024-02-23. Review status: criteria provided, single submitter. Criteria: GeneDx Variant Classification Process June 2021. Collection method: clinical testing. Allele origin: germline. Affected: yes.
Comment: Published functional studies demonstrate a damaging effect (PMID: 28440032); Not observed at significant frequency in large population cohorts (gnomAD); In silico analysis supports that this missense variant has a deleterious effect on protein structure/function; This variant is associated with the following publications: (PMID: 19699296, 31840356, 32155688, 1615486, 22639855, 27109384, 28440032, 38196513)

Mayo Clinic Laboratories, Mayo Clinic
Classification: Pathogenic. Last evaluated: 2023-09-22. Review status: criteria provided, single submitter. Criteria: ACMG Guidelines, 2015. Collection method: clinical testing. Allele origin: germline. Observed: 1 variant allele.
Comment: PP3, PP5, PM1, PM2_moderate, PM5, PS4

Women's Health and Genetics/Laboratory Corporation of America, LabCorp
Classification: Pathogenic for Hereditary factor IX deficiency disease. Last evaluated: 2022-06-28. Review status: criteria provided, single submitter. Criteria: LabCorp Variant Classification Summary - May 2015. Collection method: clinical testing. Allele origin: germline.
Comment: Variant summary: F9 c.571C>T (p.Arg191Cys) results in a non-conservative amino acid change located in the cleavage site of the activated peptide (Hamasaki-Katagiri_2012) of the encoded protein sequence. Five of five in-silico tools predict a damaging effect of the variant on protein function. The variant allele was found at a frequency of 5.5e-06 in 183448 control chromosomes. c.571C>T has been reported in the literature in multiple individuals affected with Factor IX Deficiency (Hemophilia B) (example, Knobloch_1993, Chavali_2009, Hamasaki-Katagiri_2012, Marliere_2020, Parrado Jara_2020). These data indicate that the variant is very likely to be associated with disease. Two clinical diagnostic laboratories have submitted clinical-significance assessments for this variant to ClinVar after 2014 without evidence for independent evaluation. All laboratories classified the variant as pathogenic. Based on the evidence outlined above, the variant was classified as pathogenic.

Labcorp Genetics (formerly Invitae), Labcorp
Classification: Pathogenic for Thrombophilia, X-linked, due to factor 9 defect; Hereditary factor IX deficiency disease. Last evaluated: 2022-02-08. Review status: criteria provided, single submitter. Criteria: Invitae Variant Classification Sherloc (09022015). Collection method: clinical testing. Allele origin: germline.
Comment: For these reasons, this variant has been classified as Pathogenic. This variant disrupts the p.Arg191 amino acid residue in F9. Other variant(s) that disrupt this residue have been determined to be pathogenic (PMID: 19699296). This suggests that this residue is clinically significant, and that variants that disrupt this residue are likely to be disease-causing. Algorithms developed to predict the effect of missense changes on protein structure and function are either unavailable or do not agree on the potential impact of this missense change (SIFT: "Deleterious"; PolyPhen-2: "Probably Damaging"; Align-GVGD: "Class C15"). ClinVar contains an entry for this variant (Variation ID: 10584). This missense change has been observed in individuals with F9-related conditions (PMID: 1615486, 19699296, 27109384). This variant is present in population databases (rs137852237, gnomAD 0.001%). This sequence change replaces arginine, which is basic and polar, with cysteine, which is neutral and slightly polar, at codon 191 of the F9 protein (p.Arg191Cys).

Genetics and Molecular Pathology, SA Pathology
Classification: Likely pathogenic for Hereditary factor IX deficiency disease. Last evaluated: 2021-05-14. Review status: criteria provided, single submitter. Criteria: ACMG Guidelines, 2015. Collection method: clinical testing. Allele origin: germline. Inheritance: X-linked recessive inheritance.

Angelo Bianchi Bonomi Hemophilia and Thrombosis Center, Fondazione IRCCS Ca Granda Ospedale Maggiore Policlinico
Classification: Pathogenic for Hereditary factor IX deficiency disease. Last evaluated: 2019-06-01. Review status: no assertion criteria provided. Collection method: clinical testing. Allele origin: germline. Affected: yes. Observed: 1 variant allele. Not counted in ClinVar's aggregate classification.

OMIM
Classification: Pathogenic for HEMOPHILIA B. Last evaluated: 1989-08-01. Review status: no assertion criteria provided. Collection method: literature only. Allele origin: germline. Not counted in ClinVar's aggregate classification.

ISTH-SSC Genomics in Thrombosis and Hemostasis, KU Leuven, Center for Molecular and Vascular Biology
Classification: Pathogenic for Hereditary factor IX deficiency disease. Review status: no assertion criteria provided. Collection method: clinical testing. Allele origin: maternal. Affected: yes. Not counted in ClinVar's aggregate classification.
Comment: Submitted to GoldVariant by Bilal Jradeh from Katharine Dormandy Haemophilia and Thrombosis Centre, Royal Free Hospital, London, UK

Literature cited by the submitters: PubMed 10094553 (cited by Mayo Clinic Laboratories, Mayo Clinic and Angelo Bianchi Bonomi Hemophilia and Thrombosis Center, Fondazione IRCCS Ca Granda Ospedale Maggiore Policlinico); PubMed 11013449 (cited by Mayo Clinic Laboratories, Mayo Clinic and Angelo Bianchi Bonomi Hemophilia and Thrombosis Center, Fondazione IRCCS Ca Granda Ospedale Maggiore Policlinico); PubMed 15086324 (cited by Mayo Clinic Laboratories, Mayo Clinic and Angelo Bianchi Bonomi Hemophilia and Thrombosis Center, Fondazione IRCCS Ca Granda Ospedale Maggiore Policlinico); PubMed 22639855 (cited by Mayo Clinic Laboratories, Mayo Clinic and Women's Health and Genetics/Laboratory Corporation of America, LabCorp); PubMed 23093250 (cited by Mayo Clinic Laboratories, Mayo Clinic and Angelo Bianchi Bonomi Hemophilia and Thrombosis Center, Fondazione IRCCS Ca Granda Ospedale Maggiore Policlinico); PubMed 24375831 (cited by Mayo Clinic Laboratories, Mayo Clinic); PubMed 27109384 (cited by Mayo Clinic Laboratories, Mayo Clinic and Labcorp Genetics (formerly Invitae), Labcorp); PubMed 2775660 (cited by 3 submitters); PubMed 31840356 (cited by Mayo Clinic Laboratories, Mayo Clinic and Women's Health and Genetics/Laboratory Corporation of America, LabCorp); PubMed 32155688 (cited by Mayo Clinic Laboratories, Mayo Clinic and Women's Health and Genetics/Laboratory Corporation of America, LabCorp); PubMed 33760382 (cited by Mayo Clinic Laboratories, Mayo Clinic); PubMed 19699296 (cited by Women's Health and Genetics/Laboratory Corporation of America, LabCorp and Labcorp Genetics (formerly Invitae), Labcorp); PubMed 8365725 (cited by Women's Health and Genetics/Laboratory Corporation of America, LabCorp and Angelo Bianchi Bonomi Hemophilia and Thrombosis Center, Fondazione IRCCS Ca Granda Ospedale Maggiore Policlinico); PubMed 1615486 (cited by Labcorp Genetics (formerly Invitae), Labcorp); PubMed 1972560 (cited by Angelo Bianchi Bonomi Hemophilia and Thrombosis Center, Fondazione IRCCS Ca Granda Ospedale Maggiore Policlinico); PubMed 1998585 (cited by Angelo Bianchi Bonomi Hemophilia and Thrombosis Center, Fondazione IRCCS Ca Granda Ospedale Maggiore Policlinico); PubMed 8091381 (cited by Angelo Bianchi Bonomi Hemophilia and Thrombosis Center, Fondazione IRCCS Ca Granda Ospedale Maggiore Policlinico); PubMed 15921378 (cited by Angelo Bianchi Bonomi Hemophilia and Thrombosis Center, Fondazione IRCCS Ca Granda Ospedale Maggiore Policlinico); PubMed 8412791 (cited by Angelo Bianchi Bonomi Hemophilia and Thrombosis Center, Fondazione IRCCS Ca Granda Ospedale Maggiore Policlinico); PubMed 8314564 (cited by Angelo Bianchi Bonomi Hemophilia and Thrombosis Center, Fondazione IRCCS Ca Granda Ospedale Maggiore Policlinico); PubMed 8320491 (cited by Angelo Bianchi Bonomi Hemophilia and Thrombosis Center, Fondazione IRCCS Ca Granda Ospedale Maggiore Policlinico); PubMed 16270648 (cited by Angelo Bianchi Bonomi Hemophilia and Thrombosis Center, Fondazione IRCCS Ca Granda Ospedale Maggiore Policlinico); PubMed 8680410 (cited by Angelo Bianchi Bonomi Hemophilia and Thrombosis Center, Fondazione IRCCS Ca Granda Ospedale Maggiore Policlinico); PubMed 7873393 (cited by Angelo Bianchi Bonomi Hemophilia and Thrombosis Center, Fondazione IRCCS Ca Granda Ospedale Maggiore Policlinico); PubMed 10739381 (cited by Angelo Bianchi Bonomi Hemophilia and Thrombosis Center, Fondazione IRCCS Ca Granda Ospedale Maggiore Policlinico); PubMed 11328285 (cited by Angelo Bianchi Bonomi Hemophilia and Thrombosis Center, Fondazione IRCCS Ca Granda Ospedale Maggiore Policlinico); PubMed 10595634 (cited by Angelo Bianchi Bonomi Hemophilia and Thrombosis Center, Fondazione IRCCS Ca Granda Ospedale Maggiore Policlinico); PubMed 10874302 (cited by Angelo Bianchi Bonomi Hemophilia and Thrombosis Center, Fondazione IRCCS Ca Granda Ospedale Maggiore Policlinico); PubMed 11122099 (cited by Angelo Bianchi Bonomi Hemophilia and Thrombosis Center, Fondazione IRCCS Ca Granda Ospedale Maggiore Policlinico).

NM_000133.4(F9):c.571C>T (p.Arg191Cys)

Gene: F9 (coagulation factor IX; plus strand). Cytogenetic location: Xq27.1.
Variant type: single nucleotide variant.
Coding change: c.571C>T on transcript NM_000133.4 (MANE Select); coding-DNA position 571, C replaced by T.
Protein change: p.Arg191Cys; replaces arginine 191 with cysteine.
Molecular consequence: missense variant.
Genome position (GRCh38, 1-based): chrX:139,551,112, C>T. VCF-style: chrX-139551112-C-T. GRCh37 (hg19) VCF-style: chrX-138633271-C-T.
Other names: F9, ARG145CYS; R145C; c.457C>T, p.Arg153Cys (NM_001313913.2); short protein forms R191C, R153C.
Identifiers: ClinVar variation 10584 (VCV000010584.18), dbSNP rs137852237, ClinGen allele CA255340.